The following is an entry in ClinVar:

NM_001042492.3(NF1):c.7262del (p.Asn2421fs)

Gene: NF1 (neurofibromin 1; plus strand). Cytogenetic location: 17q11.2.
Variant type: Deletion.
Coding change: c.7262del on transcript NM_001042492.3 (MANE Select); coding-DNA position 7262, one base deleted (A; older notation c.7262delA).
Protein change: p.Asn2421fs; shifts the reading frame from asparagine 2421.
Molecular consequence: frameshift variant.
Genome position (GRCh38, 1-based): chr17:31,349,192, A deleted; the last of 2 consecutive A bases (chr17:31,349,191-31,349,192); deleting either gives the same sequence. VCF-style (leftmost placement, unchanged base first): chr17-31349190-TA-T. GRCh37 (hg19) VCF-style: chr17-29676208-TA-T.
Other names: c.7199delA, p.Asn2400Thrfs (NM_000267.4); short protein forms N2421fs, N2400fs.
Identifiers: ClinVar variation 849953 (VCV000849953.6), dbSNP rs2070076040, ClinGen allele CA916080665.

ClinVar aggregate classification (germline): Pathogenic (1 of 4 stars; one submission).

Conditions:
Neurofibromatosis, type 1 (NF1). Also called: Neurofibromatosis, type I; VON RECKLINGHAUSEN DISEASE; Peripheral type neurofibromatosis; NEUROFIBROMATOSIS, TYPE I, SOMATIC. Identifiers: Orphanet 636, MedGen C0027831, MONDO:0018975, OMIM 162200. Disease mechanism: loss of function.

Submission:

Labcorp Genetics (formerly Invitae), Labcorp
Classification: Pathogenic for Neurofibromatosis, type 1. Last evaluated: 2019-03-13. Review status: criteria provided, single submitter. Criteria: Invitae Variant Classification Sherloc (09022015). Collection method: clinical testing. Allele origin: germline.
Comment: This variant has not been reported in the literature in individuals with NF1-related conditions. This sequence change creates a premature translational stop signal (p.Asn2400Thrfs*11) in the NF1 gene. It is expected to result in an absent or disrupted protein product. This variant is not present in population databases (ExAC no frequency). Loss-of-function variants in NF1 are known to be pathogenic (PMID: 10712197, 23913538). For these reasons, this variant has been classified as Pathogenic.

Literature cited by the submitters: PubMed 10712197; PubMed 23913538.